The following is an entry in ClinVar:

ClinVar aggregate classification (germline): Uncertain significance (1 of 4 stars; one submission).

Conditions:
Dyskeratosis congenita, autosomal recessive 6 (DKCB6). Identifiers: MedGen C4225356, MONDO:0014600, OMIM 616353.
Pulmonary fibrosis and/or bone marrow failure, Telomere-related, 4. Also called: PULMONARY FIBROSIS AND/OR BONE MARROW FAILURE SYNDROME, TELOMERE-RELATED, 4. Identifiers: Orphanet 2032, MedGen C4225347, MONDO:0014612, OMIM 616371.

Allele frequency attached by ClinVar (database versions not stated): gnomAD exomes below 0.00001.
gnomAD v4.1: 1 of 1,606,458 alleles (0.000062%); highest among the groups gnomAD compares: East Asian, 0.0022%; no homozygotes.

Submission:

Labcorp Genetics (formerly Invitae), Labcorp
Classification: Uncertain significance for Dyskeratosis congenita, autosomal recessive 6; Pulmonary fibrosis and/or bone marrow failure, Telomere-related, 4. Last evaluated: 2022-01-08. Review status: criteria provided, single submitter. Criteria: Invitae Variant Classification Sherloc (09022015). Collection method: clinical testing. Allele origin: germline.
Comment: This sequence change replaces methionine, which is neutral and non-polar, with threonine, which is neutral and polar, at codon 393 of the PARN protein (p.Met393Thr). In summary, the available evidence is currently insufficient to determine the role of this variant in disease. Therefore, it has been classified as a Variant of Uncertain Significance. Algorithms developed to predict the effect of missense changes on protein structure and function (SIFT, PolyPhen-2, Align-GVGD) all suggest that this variant is likely to be disruptive. This variant has not been reported in the literature in individuals affected with PARN-related conditions. This variant is not present in population databases (gnomAD no frequency).

NM_002582.4(PARN):c.1178T>C (p.Met393Thr)

Gene: PARN (poly(A)-specific ribonuclease; minus strand). Cytogenetic location: 16p13.12.
Variant type: single nucleotide variant.
Coding change: c.1178T>C on transcript NM_002582.4 (MANE Select); coding-DNA position 1178, T replaced by C.
Protein change: p.Met393Thr; replaces methionine 393 with threonine.
Molecular consequence: missense variant.
Genome position (GRCh38, 1-based): chr16:14,582,195, A>G on the plus strand (T>C on the coding strand, the complement: PARN is on the minus strand). VCF-style: chr16-14582195-A-G. GRCh37 (hg19) VCF-style: chr16-14676052-A-G.
Other names: c.995T>C, p.Met332Thr (NM_001134477.3); c.1040T>C, p.Met347Thr (NM_001242992.2); short protein forms M393T, M347T, M332T.
Identifiers: ClinVar variation 1937160 (VCV001937160.5), dbSNP rs2507835595, ClinGen allele CA394801527.
Genomic context (GRCh38, chr16:14,582,195, plus strand): 5'-CACCCTAGATCACTGCGTGTTTGACTGAAAGACATGTAATGCGTACCTAGGTAATTGGCC[A>G]TGGAGATGAAGCACAGCCCTGTGATGTAGGCATCGTAGCCTGCCTCGTGGAGTTGTTCAG-3'
Protein context (NP_002573.1, residues 383-403): AYITGLCFIS[Met393Thr]ANYLGSFLSP